The following is an entry in ClinVar:

ClinVar aggregate classification (germline): Likely benign. Review status: criteria provided, multiple submitters, no conflicts (2 of 4 stars). 2 submissions from 2 submitters: Likely benign (2). Last evaluated 2025-09-08.

Conditions:
PAX3-related disorder. Also called: PAX3-related condition.

Allele frequency attached by ClinVar (database versions not stated): gnomAD exomes 0.00001; ExAC 0.00005; ESP Exome Variant Server 0.00008; gnomAD 0.00009; TOPMed 0.00011; 1000 Genomes Project 0.00020; 1000 Genomes Project 30x 0.00047.

Submissions (2):

Labcorp Genetics (formerly Invitae), Labcorp
Classification: Likely benign. Last evaluated: 2025-09-08. Review status: criteria provided, single submitter. Criteria: Invitae Variant Classification Sherloc (09022015). Collection method: clinical testing. Allele origin: germline.

PreventionGenetics, part of Exact Sciences
Classification: Likely benign for PAX3-related condition. Last evaluated: 2025-06-01. Review status: criteria provided, single submitter. Criteria: ACMG Guidelines, 2015. Collection method: clinical testing. Allele origin: germline.
Comment: This variant is classified as likely benign based on ACMG/AMP sequence variant interpretation guidelines (Richards et al. 2015 PMID: 25741868, with internal and published modifications).

NM_181458.4(PAX3):c.900G>A (p.Pro300=)

Gene: PAX3 (paired box 3; minus strand). Cytogenetic location: 2q36.1.
Variant type: single nucleotide variant.
Coding change: c.900G>A on transcript NM_181458.4 (MANE Select); coding-DNA position 900, G replaced by A.
Protein change: p.Pro300=; no amino-acid change (proline 300 retained).
Molecular consequence: synonymous variant.
Genome position (GRCh38, 1-based): chr2:222,221,280, C>T on the plus strand (G>A on the coding strand, the complement: PAX3 is on the minus strand). VCF-style: chr2-222221280-C-T. GRCh37 (hg19) VCF-style: chr2-223085999-C-T.
Other names: c.900G>A (NM_181457.3); c.897G>A, p.Pro299= (NM_001127366.3); c.900G>A, p.Pro300= (NM_181457.4, NM_181459.4, NM_181460.4 and 1 more transcripts).
Identifiers: ClinVar variation 2966312 (VCV002966312.4), dbSNP rs376864501, ClinGen allele CA2135555.
Genomic context (GRCh38, chr2:222,221,280, plus strand): 5'-ACCTTGTGGAATAGATGTGGGCTGGTAAGAGGTCTCCGACAGCTGGTACGTTGGCAAGGT[C>T]GGCATGGCAGTGGGAGGGAACCCCCCGGGAATGAGATGGTTGAAAGCCATCAGTTGATTG-3'
Protein context (NP_852123.1, residues 290-310): IPGGFPPTAM[Pro300=]TLPTYQLSET